The following is an entry in ClinVar:

NM_032043.3(BRIP1):c.476A>G (p.Lys159Arg)

Gene: BRIP1 (BRCA1 interacting DNA helicase 1; minus strand). Cytogenetic location: 17q23.2.
Variant type: single nucleotide variant.
Coding change: c.476A>G on transcript NM_032043.3 (MANE Select); coding-DNA position 476, A replaced by G.
Protein change: p.Lys159Arg; replaces lysine 159 with arginine.
Molecular consequence: missense variant.
Genome position (GRCh38, 1-based): chr17:61,849,160, T>C on the plus strand (A>G on the coding strand, the complement: BRIP1 is on the minus strand). VCF-style: chr17-61849160-T-C. GRCh37 (hg19) VCF-style: chr17-59926521-T-C.
Other names: short protein forms K159R.
Identifiers: ClinVar variation 1332255 (VCV001332255.6), dbSNP rs1603362575, ClinGen allele CA400484405.

ClinVar aggregate classification (germline): Uncertain significance. Review status: criteria provided, multiple submitters, no conflicts (2 of 4 stars). 3 submissions from 3 submitters: Uncertain significance (3). Last evaluated 2026-07-06.

Conditions:
Hereditary cancer-predisposing syndrome. Also called: Hereditary Cancer Syndrome; Neoplastic Syndromes, Hereditary; Hereditary neoplastic syndrome; Tumor predisposition. Identifiers: Orphanet 140162, MedGen C0027672, MeSH D009386, MONDO:0015356.
Familial cancer of breast. Also called: hereditary breast carcinoma; Hereditary breast cancer; BREAST CANCER, FAMILIAL. Identifiers: Orphanet 227535, MedGen C0346153, MONDO:0016419, OMIM 114480. Disease mechanism: loss of function.
Fanconi anemia complementation group J. Also called: BRIP1-Related Fanconi Anemia. Identifiers: Orphanet 84, MedGen C1836860, MONDO:0012187, OMIM 609054.

Allele frequency attached by ClinVar (database versions not stated): gnomAD exomes below 0.00001.
gnomAD v4.1: 2 of 1,613,632 alleles (0.00012%); highest among the groups gnomAD compares: Non-Finnish European, 0.000085%; no homozygotes.

Submissions (3):

Ambry Genetics
Classification: Uncertain significance for Hereditary cancer-predisposing syndrome. Last evaluated: 2026-07-06. Review status: criteria provided, single submitter. Criteria: Ambry Variant Classification Scheme 2023. Collection method: clinical testing. Allele origin: germline.
Comment: The p.K159R variant (also known as c.476A>G), located in coding exon 4 of the BRIP1 gene, results from an A to G substitution at nucleotide position 476. The lysine at codon 159 is replaced by arginine, an amino acid with highly similar properties. This amino acid position is conserved. In addition, the in silico prediction for this alteration is inconclusive. Based on the available evidence, the clinical significance of this variant remains unclear.

Color Diagnostics, LLC DBA Color Health
Classification: Uncertain significance for Hereditary cancer-predisposing syndrome. Last evaluated: 2024-03-06. Review status: criteria provided, single submitter. Criteria: ACMG Guidelines, 2015. Collection method: clinical testing. Allele origin: germline.
Comment: This missense variant replaces lysine with arginine at codon 159 of the BRIP1 protein. Computational prediction suggests that this variant may not impact protein structure and function (internally defined REVEL score threshold <= 0.5, PMID: 27666373). To our knowledge, functional studies have not been reported for this variant. This variant has not been reported in individuals affected with hereditary cancer in the literature. This variant has not been identified in the general population by the Genome Aggregation Database (gnomAD). The available evidence is insufficient to determine the role of this variant in disease conclusively. Therefore, this variant is classified as a Variant of Uncertain Significance.

Labcorp Genetics (formerly Invitae), Labcorp
Classification: Uncertain significance for Familial cancer of breast; Fanconi anemia complementation group J. Last evaluated: 2023-07-06. Review status: criteria provided, single submitter. Criteria: Invitae Variant Classification Sherloc (09022015). Collection method: clinical testing. Allele origin: germline.
Comment: This sequence change replaces lysine, which is basic and polar, with arginine, which is basic and polar, at codon 159 of the BRIP1 protein (p.Lys159Arg). This variant is not present in population databases (gnomAD no frequency). This variant has not been reported in the literature in individuals affected with BRIP1-related conditions. ClinVar contains an entry for this variant (Variation ID: 1332255). Advanced modeling of protein sequence and biophysical properties (such as structural, functional, and spatial information, amino acid conservation, physicochemical variation, residue mobility, and thermodynamic stability) has been performed at Invitae for this missense variant, however the output from this modeling did not meet the statistical confidence thresholds required to predict the impact of this variant on BRIP1 protein function. In summary, the available evidence is currently insufficient to determine the role of this variant in disease. Therefore, it has been classified as a Variant of Uncertain Significance.